The following is an entry in ClinVar:

NM_017433.5(MYO3A):c.3427A>T (p.Asn1143Tyr)

Gene: MYO3A (myosin IIIA; plus strand). Cytogenetic location: 10p12.1.
Variant type: single nucleotide variant.
Coding change: c.3427A>T on transcript NM_017433.5 (MANE Select); coding-DNA position 3427, A replaced by T.
Protein change: p.Asn1143Tyr; replaces asparagine 1143 with tyrosine.
Molecular consequence: missense variant.
Genome position (GRCh38, 1-based): chr10:26,173,691, A>T. VCF-style: chr10-26173691-A-T. GRCh37 (hg19) VCF-style: chr10-26462620-A-T.
Other names: c.3427A>T (NM_017433.4); short protein forms N1143Y.
Identifiers: ClinVar variation 2065159 (VCV002065159.5), dbSNP rs2493957669, ClinGen allele CA376338059.

ClinVar aggregate classification (germline): Uncertain significance (1 of 4 stars; one submission).

Conditions:
Autosomal recessive nonsyndromic hearing loss 30. Identifiers: Orphanet 90636, MedGen C1846784, MONDO:0011774, OMIM 607101.

Submission:

Labcorp Genetics (formerly Invitae), Labcorp
Classification: Uncertain significance. Last evaluated: 2022-07-19. Review status: criteria provided, single submitter. Criteria: Invitae Variant Classification Sherloc (09022015). Collection method: clinical testing. Allele origin: germline.
Comment: Algorithms developed to predict the effect of missense changes on protein structure and function are either unavailable or do not agree on the potential impact of this missense change (SIFT: "Deleterious"; PolyPhen-2: "Benign"; Align-GVGD: "Class C0"). In summary, the available evidence is currently insufficient to determine the role of this variant in disease. Therefore, it has been classified as a Variant of Uncertain Significance. This variant has not been reported in the literature in individuals affected with MYO3A-related conditions. This variant is not present in population databases (gnomAD no frequency). This sequence change replaces asparagine, which is neutral and polar, with tyrosine, which is neutral and polar, at codon 1143 of the MYO3A protein (p.Asn1143Tyr).